The following is an entry in ClinVar:

ClinVar aggregate classification (germline): Uncertain significance (1 of 4 stars; one submission).

Conditions:
Hypertrophic cardiomyopathy 9. Also called: Familial hypertrophic cardiomyopathy 9. Identifiers: MedGen C1861065, MONDO:0013412, OMIM 613765.

Submission:

Clinical Genomics Laboratory, Stanford Medicine
Classification: Uncertain significance for Hypertrophic cardiomyopathy 9. Last evaluated: 2023-06-05. Review status: criteria provided, single submitter. Criteria: ACMG Guidelines, 2015. Collection method: clinical testing. Allele origin: germline. Observed: 1 variant allele, 1 heterozygote.
Comment: The p.Ile1383Met variant in the MYOM1 gene has not been previously reported in association with disease. This variant was absent from large population databases, including the Genome Aggregation Database. The isoleucine at position 1383 is moderately evolutionarily conserved. Computational tools predict that the p.Ile1383Met variant is neither deleterious nor benign; however, the accuracy of in silico algorithms is limited. These data were assessed using the ACMG/AMP variant interpretation guidelines. In summary, the significance of the p.Ile1383Met variant is uncertain. Additional information is needed to resolve the significance of this variant. [ACMG evidence codes used: PM2]

NM_003803.4(MYOM1):c.4149T>G (p.Ile1383Met)

Gene: MYOM1 (myomesin 1; minus strand). Cytogenetic location: 18p11.31.
Variant type: single nucleotide variant.
Coding change: c.4149T>G on transcript NM_003803.4 (MANE Select); coding-DNA position 4149, T replaced by G.
Protein change: p.Ile1383Met; replaces isoleucine 1383 with methionine.
Molecular consequence: missense variant.
Genome position (GRCh38, 1-based): chr18:3,086,140, A>C on the plus strand (T>G on the coding strand, the complement: MYOM1 is on the minus strand). VCF-style: chr18-3086140-A-C. GRCh37 (hg19) VCF-style: chr18-3086138-A-C.
Other names: c.3861T>G, p.Ile1287Met (NM_019856.2); short protein forms I1287M, I1383M.
Identifiers: ClinVar variation 3778833 (VCV003778833.1).
Genomic context (GRCh38, chr18:3,086,140, plus strand): 5'-CTTTTCATCCACTGATATCTCCCTCTCATCTTTGTACCACACAATATGAGTCTCCTTCTT[A>C]ATATTTGCCACCTAGGAGAAAAACCATAATTACTTTTCTTAAAATAAGAAAGTGTACTCT-3'
Protein context (NP_003794.3, residues 1373-1393): NVLLKCKVAN[Ile1383Met]KKETHIVWYK